The following is an entry in ClinVar:

ClinVar aggregate classification (germline): Pathogenic (1 of 4 stars; one submission).

Conditions:
Congenital adrenal hyperplasia due to cytochrome P450 oxidoreductase deficiency. Also called: DISORDERED STEROIDOGENESIS DUE TO POR DEFICIENCY. Identifiers: Orphanet 95699, MedGen C1860042, MONDO:0013310, OMIM 613571.

Submission:

Labcorp Genetics (formerly Invitae), Labcorp
Classification: Pathogenic for Congenital adrenal hyperplasia due to cytochrome P450 oxidoreductase deficiency. Last evaluated: 2023-08-10. Review status: criteria provided, single submitter. Criteria: Invitae Variant Classification Sherloc (09022015). Collection method: clinical testing. Allele origin: unknown.
Comment: This variant is a gross deletion of the genomic region encompassing exon(s) 3 of the POR gene. This deletion is out-of-frame, and is expected to create a premature termination codon and result in an absent or disrupted protein product. Loss-of-function variants in POR are known to be pathogenic (PMID: 14758361, 20732302, 21741353). This variant has not been reported in the literature in individuals affected with POR-related conditions. For these reasons, this variant has been classified as Pathogenic.

Literature cited by the submitters: PubMed 14758361; PubMed 20732302; PubMed 21741353.

NC_000007.13:g.(?_75601711)_(75601799_?)del

Gene: POR (cytochrome p450 oxidoreductase; plus strand). Cytogenetic location: 7q11.23.
Variant type: Deletion.
Identifiers: ClinVar variation 3245779 (VCV003245779.1).